The following is an entry in ClinVar:

NM_001130823.3(DNMT1):c.4045G>A (p.Val1349Met)

Gene: DNMT1 (DNA methyltransferase 1; minus strand). Cytogenetic location: 19p13.2.
Variant type: single nucleotide variant.
Coding change: c.4045G>A on transcript NM_001130823.3 (MANE Select); coding-DNA position 4045, G replaced by A.
Protein change: p.Val1349Met; replaces valine 1349 with methionine.
Molecular consequence: missense variant.
Genome position (GRCh38, 1-based): chr19:10,138,509, C>T on the plus strand (G>A on the coding strand, the complement: DNMT1 is on the minus strand). VCF-style: chr19-10138509-C-T. GRCh37 (hg19) VCF-style: chr19-10249185-C-T.
Other names: c.3997G>A, p.Val1333Met (NM_001318730.2, NM_001379.4); c.3682G>A, p.Val1228Met (NM_001318731.2); short protein forms V1228M, V1333M, V1349M.
Identifiers: ClinVar variation 1062177 (VCV001062177.13), dbSNP rs2089537597, ClinGen allele CA403971019.
Genomic context (GRCh38, chr19:10,138,509, plus strand): 5'-TGCTCACAAACTTCTTGTCATCCACCACCACGCTCAGCTGGCAGGCCCGGGGAGCAAACA[C>T]GTGCAGTGGCTCCGGGAACAGAGGGAGCTTCTCTCCAGGGGCCGCGGCCAGGATGATGGC-3'
Protein context (NP_001124295.1, residues 1339-1359): KLPLFPEPLH[Val1349Met]FAPRACQLSV

ClinVar aggregate classification (germline): Uncertain significance. Review status: criteria provided, multiple submitters, no conflicts (2 of 4 stars). 3 submissions from 3 submitters: Uncertain significance (3). Last evaluated 2026-06-01.

Conditions:
Hereditary sensory neuropathy-deafness-dementia syndrome. Also called: HSN IE; NEUROPATHY, HEREDITARY SENSORY, WITH HEARING LOSS AND DEMENTIA; Hereditary sensory neuropathy type IE; Hereditary Sensory and Autonomic Neuropathy Type 1E (HSAN1E). Identifiers: Orphanet 456318, MedGen C3279885, MONDO:0013584, OMIM 614116.
Inborn genetic diseases. Identifiers: MedGen C0950123, MeSH D030342.

Allele frequency attached by ClinVar (database versions not stated): gnomAD exomes 0.00001.
gnomAD v4.1: 3 of 1,613,612 alleles (0.00019%); highest among the groups gnomAD compares: Non-Finnish European, 0.00025%; no homozygotes.

Submissions (3):

CeGaT Center for Human Genetics Tuebingen
Classification: Uncertain significance. Last evaluated: 2026-06-01. Review status: criteria provided, single submitter. Criteria: CeGaT Center For Human Genetics Tuebingen Variant Classification Criteria Version 2. Collection method: clinical testing. Allele origin: germline. Affected: yes. Observed: 1 variant allele.

Labcorp Genetics (formerly Invitae), Labcorp
Classification: Uncertain significance for Hereditary sensory neuropathy-deafness-dementia syndrome. Last evaluated: 2023-04-08. Review status: criteria provided, single submitter. Criteria: Invitae Variant Classification Sherloc (09022015). Collection method: clinical testing. Allele origin: germline.
Comment: Advanced modeling of protein sequence and biophysical properties (such as structural, functional, and spatial information, amino acid conservation, physicochemical variation, residue mobility, and thermodynamic stability) performed at Invitae indicates that this missense variant is not expected to disrupt DNMT1 protein function. In summary, the available evidence is currently insufficient to determine the role of this variant in disease. Therefore, it has been classified as a Variant of Uncertain Significance. ClinVar contains an entry for this variant (Variation ID: 1062177). This variant has not been reported in the literature in individuals affected with DNMT1-related conditions. This variant is not present in population databases (gnomAD no frequency). This sequence change replaces valine, which is neutral and non-polar, with methionine, which is neutral and non-polar, at codon 1349 of the DNMT1 protein (p.Val1349Met).

Ambry Genetics
Classification: Uncertain significance for Inborn genetic diseases. Last evaluated: 2019-10-16. Review status: criteria provided, single submitter. Criteria: Ambry Variant Classification Scheme 2023. Collection method: clinical testing. Allele origin: germline.
Comment: The p.V1333M variant (also known as c.3997G>A), located in coding exon 34 of the DNMT1 gene, results from a G to A substitution at nucleotide position 3997. The valine at codon 1333 is replaced by methionine, an amino acid with highly similar properties. This amino acid position is highly conserved in available vertebrate species. In addition, the in silico prediction for this alteration is inconclusive. Since supporting evidence is limited at this time, the clinical significance of this alteration remains unclear.